The following is an entry in ClinVar:

NM_015662.3(IFT172):c.5A>G (p.His2Arg)

Gene: IFT172 (intraflagellar transport 172; minus strand). Cytogenetic location: 2p23.3.
Variant type: single nucleotide variant.
Coding change: c.5A>G on transcript NM_015662.3 (MANE Select); coding-DNA position 5, A replaced by G.
Protein change: p.His2Arg; replaces histidine 2 with arginine.
Molecular consequence: missense variant.
Genome position (GRCh38, 1-based): chr2:27,489,649, T>C on the plus strand (A>G on the coding strand, the complement: IFT172 is on the minus strand). VCF-style: chr2-27489649-T-C. GRCh37 (hg19) VCF-style: chr2-27712516-T-C.
Other names: c.5A>G, p.His2Arg (NM_001410739.1); short protein forms H2R.
Identifiers: ClinVar variation 1942111 (VCV001942111.5), dbSNP rs781257867, ClinGen allele CA346404785.

ClinVar aggregate classification (germline): Uncertain significance (1 of 4 stars; one submission).

Conditions:
Short-rib thoracic dysplasia 10 with or without polydactyly (SRTD10). Identifiers: Orphanet 474, MedGen C3810175, MONDO:0014284, OMIM 615630.
Retinitis pigmentosa 71 (RP71). Identifiers: Orphanet 791, MedGen C4225342, MONDO:0014618, OMIM 616394.

gnomAD v4.1: 1 of 1,611,890 alleles (0.000062%); highest among the groups gnomAD compares: Non-Finnish European, 0.000085%; no homozygotes.

Submission:

Labcorp Genetics (formerly Invitae), Labcorp
Classification: Uncertain significance for Retinitis pigmentosa 71; Short-rib thoracic dysplasia 10 with or without polydactyly. Last evaluated: 2022-05-13. Review status: criteria provided, single submitter. Criteria: Invitae Variant Classification Sherloc (09022015). Collection method: clinical testing. Allele origin: germline.
Comment: This sequence change replaces histidine, which is basic and polar, with arginine, which is basic and polar, at codon 2 of the IFT172 protein (p.His2Arg). This variant is not present in population databases (gnomAD no frequency). This variant has not been reported in the literature in individuals affected with IFT172-related conditions. Algorithms developed to predict the effect of missense changes on protein structure and function (SIFT, PolyPhen-2, Align-GVGD) all suggest that this variant is likely to be tolerated. In summary, the available evidence is currently insufficient to determine the role of this variant in disease. Therefore, it has been classified as a Variant of Uncertain Significance.